The following is an entry in ClinVar:

ClinVar aggregate classification (germline): Conflicting classifications of pathogenicity. Review status: criteria provided, conflicting classifications (1 of 4 stars). 3 submissions from 3 submitters: Uncertain significance (2); Likely benign (1). Last evaluated 2025-10-12.

Conditions:
Cardiovascular phenotype. Identifiers: MedGen CN230736.
Long QT syndrome (LQTS). Identifiers: MedGen C0023976, MeSH D008133, MONDO:0002442. Disease mechanism: loss of function. Inheritance: Various modes of inheritance.

Allele frequency attached by ClinVar (database versions not stated): gnomAD exomes 0.00001 and 0.00002; ExAC 0.00004; TOPMed below 0.00001.
gnomAD v4.1: 11 of 1,611,436 alleles (0.00068%); highest among the groups gnomAD compares: South Asian, 0.0088%; no homozygotes.

Submissions (3):

Labcorp Genetics (formerly Invitae), Labcorp
Classification: Uncertain significance for Long QT syndrome. Last evaluated: 2025-10-12. Review status: criteria provided, single submitter. Criteria: Invitae Variant Classification Sherloc (09022015). Collection method: clinical testing. Allele origin: germline.
Comment: This sequence change replaces aspartic acid, which is acidic and polar, with glutamic acid, which is acidic and polar, at codon 720 of the ANK2 protein (p.Asp720Glu). This variant is present in population databases (rs748835902, gnomAD 0.01%). This variant has not been reported in the literature in individuals affected with ANK2-related conditions. ClinVar contains an entry for this variant (Variation ID: 190523). Invitae Evidence Modeling of protein sequence and biophysical properties (such as structural, functional, and spatial information, amino acid conservation, physicochemical variation, residue mobility, and thermodynamic stability) indicates that this missense variant is not expected to disrupt ANK2 protein function with a negative predictive value of 80%. In summary, the available evidence is currently insufficient to determine the role of this variant in disease. Therefore, it has been classified as a Variant of Uncertain Significance.

Ambry Genetics
Classification: Uncertain significance for Cardiovascular phenotype. Last evaluated: 2025-08-19. Review status: criteria provided, single submitter. Criteria: Ambry Variant Classification Scheme 2023. Collection method: clinical testing. Allele origin: germline.
Comment: The p.D720E variant (also known as c.2160T>A), located in coding exon 19 of the ANK2 gene, results from a T to A substitution at nucleotide position 2160. The aspartic acid at codon 720 is replaced by glutamic acid, an amino acid with highly similar properties. According to data from gnomAD, the frequency for this variant is above the maximum credible frequency for a cardiac disease-causing variant in this gene based on internally established thresholds (Karczewski et al. Nature. 2020 May;581(7809):434-443; Whiffin et al. Genet Med. 2017 10;19:1151-1158). This amino acid position is not well conserved in available vertebrate species. In addition, this alteration is predicted to be tolerated by in silico analysis. Based on the supporting evidence, the association of this alteration with ANK2-related neurodevelopmental disorder is unknown; however, the association with ANK2-related arrhythmia is unlikely.

GeneDx
Classification: Likely benign. Last evaluated: 2012-10-26. Review status: criteria provided, single submitter. Criteria: GeneDx Variant Classification (06012015). Collection method: clinical testing. Allele origin: germline. Affected: yes.
Comment: This variant is considered likely benign or benign based on one or more of the following criteria: it is a conservative change, it occurs at a poorly conserved position in the protein, it is predicted to be benign by multiple in silico algorithms, and/or has population frequency not consistent with disease.

NM_001148.6(ANK2):c.2160T>A (p.Asp720Glu)

Gene: ANK2 (ankyrin 2; plus strand). Cytogenetic location: 4q26.
Variant type: single nucleotide variant.
Coding change: c.2160T>A on transcript NM_001148.6 (MANE Select); coding-DNA position 2160, T replaced by A.
Protein change: p.Asp720Glu; replaces aspartic acid 720 with glutamic acid.
Molecular consequence: missense variant.
Genome position (GRCh38, 1-based): chr4:113,287,685, T>A. VCF-style: chr4-113287685-T-A. GRCh37 (hg19) VCF-style: chr4-114208841-T-A.
Other names: p.D720E:GAT>GAA; c.2097T>A, p.Asp699Glu (NM_001127493.3, NM_001354239.2, NM_001354243.2 and 10 more transcripts); c.2160T>A, p.Asp720Glu (NM_001354225.2, NM_001354228.2, NM_001354232.2 and 6 more transcripts); c.2205T>A, p.Asp735Glu (NM_001354230.2, NM_001354231.2, NM_001354237.2 and 5 more transcripts); c.2061T>A, p.Asp687Glu (NM_001354245.2, NM_001354268.2); c.2073T>A, p.Asp691Glu (NM_001354249.2, NM_001354264.2, NM_001354266.2 and 10 more transcripts); c.1998T>A, p.Asp666Glu (NM_001354253.2, NM_001354257.2, NM_001354270.2 and 1 more transcripts); c.1974T>A, p.Asp658Glu (NM_001354260.2, NM_001354271.2, NM_001386151.1); and 9 more; short protein forms D699E, D720E, D625E, D654E, D706E, D650E, D691E, D658E.
Identifiers: ClinVar variation 190523 (VCV000190523.10), dbSNP rs748835902, ClinGen allele CA300697.